The following is an entry in ClinVar:

NM_201384.3(PLEC):c.1441C>A (p.Leu481Met)

Gene: PLEC (plectin; minus strand). Cytogenetic location: 8q24.3.
Variant type: single nucleotide variant.
Coding change: c.1441C>A on transcript NM_201384.3 (MANE Select); coding-DNA position 1441, C replaced by A.
Protein change: p.Leu481Met; replaces leucine 481 with methionine.
Molecular consequence: missense variant.
Genome position (GRCh38, 1-based): chr8:143,933,089, G>T on the plus strand (C>A on the coding strand, the complement: PLEC is on the minus strand). VCF-style: chr8-143933089-G-T. GRCh37 (hg19) VCF-style: chr8-145007257-G-T.
Other names: c.1522C>A (NM_000445.3); c.1522C>A, p.Leu508Met (NM_000445.5, NM_001410941.1); c.1399C>A, p.Leu467Met (NM_201378.4); c.1375C>A, p.Leu459Met (NM_201379.3); c.1852C>A, p.Leu618Met (NM_201380.4); c.1345C>A, p.Leu449Met (NM_201381.3); c.1441C>A, p.Leu481Met (NM_201382.4); c.1453C>A, p.Leu485Met (NM_201383.3); short protein forms L449M, L459M, L467M, L481M, L485M, L508M, L618M.
Identifiers: ClinVar variation 1879723 (VCV001879723.35), dbSNP rs782044574, ClinGen allele CA4927951.

ClinVar aggregate classification (germline): Uncertain significance. Review status: criteria provided, multiple submitters, no conflicts (2 of 4 stars). 3 submissions from 3 submitters: Uncertain significance (3). Last evaluated 2023-08-31.

Conditions:
Epidermolysis bullosa simplex with nail dystrophy (EBS5D). Identifiers: MedGen C4225309, MONDO:0014661, OMIM 616487.
Autosomal recessive limb-girdle muscular dystrophy type 2Q (LGMDR17). Also called: MUSCULAR DYSTROPHY, LIMB-GIRDLE, AUTOSOMAL RECESSIVE 17. Identifiers: Orphanet 254361, MedGen C3150989, MONDO:0013390, OMIM 613723.
Epidermolysis bullosa simplex 5B, with muscular dystrophy (EBS5B). Also called: EPIDERMOLYSIS BULLOSA SIMPLEX AND LIMB-GIRDLE MUSCULAR DYSTROPHY; Epidermolysis bullosa simplex with muscular dystrophy. Identifiers: Orphanet 257, MedGen C2931072, MONDO:0009181, OMIM 226670.
Epidermolysis bullosa simplex 5C, with pyloric atresia (EBS5C). Also called: PLEC-Related Epidermolysis Bullosa with Pyloric Atresia; Epidermolysis bullosa simplex with pyloric atresia; PLEC1-Related Epidermolysis Bullosa with Pyloric Atresia. Identifiers: Orphanet 158684, MedGen C2677349, MONDO:0012807, OMIM 612138.
Epidermolysis bullosa simplex, Ogna type (EBS5A). Also called: EPIDERMOLYSIS BULLOSA SIMPLEX 5A, OGNA TYPE; Pidermolysis bullosa simplex 5A, Ogna type. Identifiers: Orphanet 79401, MedGen C0432317, MONDO:0007555, OMIM 131950.
Inborn genetic diseases. Identifiers: MedGen C0950123, MeSH D030342.

Allele frequency attached by ClinVar (database versions not stated): TOPMed below 0.00001; gnomAD exomes 0.00002.
gnomAD v4.1: 33 of 1,590,642 alleles (0.0021%); highest among the groups gnomAD compares: Non-Finnish European, 0.0026%; no homozygotes.

Submissions (3):

Labcorp Genetics (formerly Invitae), Labcorp
Classification: Uncertain significance for Autosomal recessive limb-girdle muscular dystrophy type 2Q; Epidermolysis bullosa simplex, Ogna type; Epidermolysis bullosa simplex with nail dystrophy; Epidermolysis bullosa simplex 5C, with pyloric atresia; Epidermolysis bullosa simplex 5B, with muscular dystrophy. Last evaluated: 2023-08-31. Review status: criteria provided, single submitter. Criteria: Invitae Variant Classification Sherloc (09022015). Collection method: clinical testing. Allele origin: germline.
Comment: This sequence change replaces leucine, which is neutral and non-polar, with methionine, which is neutral and non-polar, at codon 508 of the PLEC protein (p.Leu508Met). The frequency data for this variant in the population databases is considered unreliable, as metrics indicate poor data quality at this position in the gnomAD database. This variant has not been reported in the literature in individuals affected with PLEC-related conditions. ClinVar contains an entry for this variant (Variation ID: 1879723). Experimental studies and prediction algorithms are not available or were not evaluated, and the functional significance of this variant is currently unknown. In summary, the available evidence is currently insufficient to determine the role of this variant in disease. Therefore, it has been classified as a Variant of Uncertain Significance.

CeGaT Center for Human Genetics Tuebingen
Classification: Uncertain significance. Last evaluated: 2022-11-01. Review status: criteria provided, single submitter. Criteria: CeGaT Center For Human Genetics Tuebingen Variant Classification Criteria Version 2. Collection method: clinical testing. Allele origin: germline. Affected: yes. Observed: 1 variant allele.
Comment: PLEC: PP3

Ambry Genetics
Classification: Uncertain significance for Inborn genetic diseases. Last evaluated: 2022-10-26. Review status: criteria provided, single submitter. Criteria: Ambry Variant Classification Scheme 2023. Collection method: clinical testing. Allele origin: germline.